The following is an entry in ClinVar:

ClinVar aggregate classification (germline): Uncertain significance. Review status: criteria provided, multiple submitters, no conflicts (2 of 4 stars). 2 submissions from 2 submitters: Uncertain significance (2). Last evaluated 2024-10-28.

Conditions:
Dilated cardiomyopathy 1DD (CMD1DD). Identifiers: Orphanet 154, MedGen C2750995, MONDO:0013168, OMIM 613172.

Allele frequency attached by ClinVar (database versions not stated): TOPMed below 0.00001; gnomAD 0.00001.
gnomAD v4.1: 1 of 1,551,490 alleles (0.000064%); highest among the groups gnomAD compares: Non-Finnish European, 0.000087%; no homozygotes.

Submissions (2):

Dasa
Classification: Uncertain significance. Last evaluated: 2024-10-28. Review status: criteria provided, single submitter. Criteria: DASA Assertion Criteria. Collection method: clinical testing. Allele origin: germline.
Comment: NM_001134363.3(RBM20):c.2315T>C (p.Leu772Pro) is a missense variant that results in the substitution of leucine with proline. This variant is rare in population databases. Computational prediction algorithms are consistent with a benign effect. The currently available literature and clinical evidence are not sufficient to establish a definitive association between this variant and the reported condition. Therefore, this variant is classified as a variant of uncertain significance.

Labcorp Genetics (formerly Invitae), Labcorp
Classification: Uncertain significance for Dilated cardiomyopathy 1DD. Last evaluated: 2023-06-25. Review status: criteria provided, single submitter. Criteria: Invitae Variant Classification Sherloc (09022015). Collection method: clinical testing. Allele origin: germline.
Comment: This sequence change replaces leucine, which is neutral and non-polar, with proline, which is neutral and non-polar, at codon 772 of the RBM20 protein (p.Leu772Pro). This variant is not present in population databases (gnomAD no frequency). This variant has not been reported in the literature in individuals affected with RBM20-related conditions. Advanced modeling of protein sequence and biophysical properties (such as structural, functional, and spatial information, amino acid conservation, physicochemical variation, residue mobility, and thermodynamic stability) performed at Invitae indicates that this missense variant is not expected to disrupt RBM20 protein function. In summary, the available evidence is currently insufficient to determine the role of this variant in disease. Therefore, it has been classified as a Variant of Uncertain Significance.

NM_001134363.3(RBM20):c.2315T>C (p.Leu772Pro)

Gene: RBM20 (RNA binding motif protein 20; plus strand). Cytogenetic location: 10q25.2.
Variant type: single nucleotide variant.
Coding change: c.2315T>C on transcript NM_001134363.3 (MANE Select); coding-DNA position 2315, T replaced by C.
Protein change: p.Leu772Pro; replaces leucine 772 with proline.
Molecular consequence: missense variant.
Genome position (GRCh38, 1-based): chr10:110,812,712, T>C. VCF-style: chr10-110812712-T-C. GRCh37 (hg19) VCF-style: chr10-112572470-T-C.
Other names: short protein forms L772P.
Identifiers: ClinVar variation 2814828 (VCV002814828.5), dbSNP rs1844788898, ClinGen allele CA378373303.